The following is an entry in ClinVar:

NM_001130987.2(DYSF):c.1841C>T (p.Ala614Val)

Gene: DYSF (dysferlin; plus strand). Cytogenetic location: 2p13.2.
Variant type: single nucleotide variant.
Coding change: c.1841C>T on transcript NM_001130987.2 (MANE Select); coding-DNA position 1841, C replaced by T.
Protein change: p.Ala614Val; replaces alanine 614 with valine.
Molecular consequence: missense variant.
Genome position (GRCh38, 1-based): chr2:71,553,045, C>T. VCF-style: chr2-71553045-C-T. GRCh37 (hg19) VCF-style: chr2-71780175-C-T.
Other names: c.1790C>T, p.Ala597Val (NM_001130455.2, NM_001130983.2); c.1745C>T, p.Ala582Val (NM_001130976.2, NM_001130977.2); c.1787C>T, p.Ala596Val (NM_001130978.2, NM_003494.4); c.1880C>T, p.Ala627Val (NM_001130979.2); c.1838C>T, p.Ala613Val (NM_001130980.2, NM_001130981.2); c.1883C>T, p.Ala628Val (NM_001130982.2); c.1748C>T, p.Ala583Val (NM_001130984.2, NM_001130986.2); c.1841C>T, p.Ala614Val (NM_001130985.2); short protein forms A596V, A614V, A583V, A613V, A628V, A582V, A597V, A627V.
Identifiers: ClinVar variation 94280 (VCV000094280.19), dbSNP rs146261069, ClinGen allele CA222134.

ClinVar aggregate classification (germline): Uncertain significance. Review status: criteria provided, multiple submitters, no conflicts (2 of 4 stars). 7 submissions from 7 submitters: Uncertain significance (6). 1 of the submissions does not count toward it. Last evaluated 2024-11-11.

Conditions:
Neuromuscular disease caused by qualitative or quantitative defects of dysferlin. Also called: Qualitative or quantitative defects of dysferlin; Dysferlinopathy. Identifiers: Orphanet 207073, MedGen C2931687, MONDO:0016145.
Autosomal recessive limb-girdle muscular dystrophy type 2B (LGMDR2). Also called: MUSCULAR DYSTROPHY, LIMB-GIRDLE, TYPE 3; Limb-Girdle Muscular Dystrophy Type 2B (LGMD2B); MUSCULAR DYSTROPHY, LIMB-GIRDLE, AUTOSOMAL RECESSIVE 2; Limb-girdle muscular dystrophy, type 2B. Identifiers: Orphanet 268, MedGen C1850889, MONDO:0009676, OMIM 253601.

Allele frequency attached by ClinVar (database versions not stated): gnomAD 0.00005 and 0.00006; ESP Exome Variant Server 0.00023; gnomAD exomes 0.00004; TOPMed 0.00006; ExAC 0.00007.
gnomAD v4.1: 172 of 1,614,144 alleles (0.011%); highest among the groups gnomAD compares: Non-Finnish European, 0.014%; no homozygotes.

Submissions (7):

Blueprint Genetics
Classification: Uncertain significance. Last evaluated: 2024-11-11. Review status: criteria provided, single submitter. Criteria: ACMG Guidelines, 2015. Collection method: clinical testing. Allele origin: germline.

Revvity Omics, Revvity
Classification: Uncertain significance. Last evaluated: 2023-03-03. Review status: criteria provided, single submitter. Criteria: ACMG Guidelines, 2015. Collection method: clinical testing. Allele origin: germline.

Labcorp Genetics (formerly Invitae), Labcorp
Classification: Uncertain significance for Neuromuscular disease caused by qualitative or quantitative defects of dysferlin. Last evaluated: 2022-07-21. Review status: criteria provided, single submitter. Criteria: Invitae Variant Classification Sherloc (09022015). Collection method: clinical testing. Allele origin: germline.
Comment: This sequence change replaces alanine, which is neutral and non-polar, with valine, which is neutral and non-polar, at codon 596 of the DYSF protein (p.Ala596Val). This variant is present in population databases (rs146261069, gnomAD 0.009%). This variant has not been reported in the literature in individuals affected with DYSF-related conditions. ClinVar contains an entry for this variant (Variation ID: 94280). Advanced modeling of protein sequence and biophysical properties (such as structural, functional, and spatial information, amino acid conservation, physicochemical variation, residue mobility, and thermodynamic stability) performed at Invitae indicates that this missense variant is not expected to disrupt DYSF protein function. In summary, the available evidence is currently insufficient to determine the role of this variant in disease. Therefore, it has been classified as a Variant of Uncertain Significance.

Illumina Laboratory Services, Illumina
Classification: Uncertain significance for Qualitative or quantitative defects of dysferlin. Last evaluated: 2018-01-13. Review status: criteria provided, single submitter. Criteria: ICSL Variant Classification Criteria 13 December 2019. Collection method: clinical testing. Allele origin: germline.

Athena Diagnostics
Classification: Uncertain significance. Last evaluated: 2017-03-27. Review status: criteria provided, single submitter. Criteria: Athena Diagnostics Criteria. Collection method: clinical testing. Allele origin: germline.

Eurofins Ntd Llc (ga)
Classification: Uncertain significance. Last evaluated: 2015-11-24. Review status: criteria provided, single submitter. Criteria: EGL Classification Definitions 2015. Collection method: clinical testing. Allele origin: germline. Observed: 1 variant allele, 1 heterozygote.

Natera, Inc.
Classification: Uncertain significance for Limb-girdle muscular dystrophy type 2B. Last evaluated: 2020-09-16. Review status: no assertion criteria provided. Collection method: clinical testing. Allele origin: germline. Not counted in ClinVar's aggregate classification.